The following is an entry in ClinVar:

ClinVar aggregate classification (germline): Pathogenic (1 of 4 stars; one submission).

Conditions:
Spastic paraplegia. Identifiers: MedGen C0037772, HP:0001258.

Submission:

Labcorp Genetics (formerly Invitae), Labcorp
Classification: Pathogenic for Spastic paraplegia. Last evaluated: 2024-07-17. Review status: criteria provided, single submitter. Criteria: Invitae Variant Classification Sherloc (09022015). Collection method: clinical testing. Allele origin: germline.
Comment: This sequence change creates a premature translational stop signal (p.Ser314Argfs*4) in the B4GALNT1 gene. It is expected to result in an absent or disrupted protein product. Loss-of-function variants in B4GALNT1 are known to be pathogenic (PMID: 23746551). This variant is not present in population databases (gnomAD no frequency). This variant has not been reported in the literature in individuals affected with B4GALNT1-related conditions. Algorithms developed to predict the effect of sequence changes on RNA splicing suggest that this variant may disrupt the consensus splice site. For these reasons, this variant has been classified as Pathogenic.

Literature cited by the submitters: PubMed 23746551.

NM_001478.5(B4GALNT1):c.942_952del (p.Ser314fs)

Gene: B4GALNT1 (beta-1,4-N-acetyl-galactosaminyltransferase 1; minus strand). Cytogenetic location: 12q13.3.
Variant type: Deletion.
Coding change: c.942_952del on transcript NM_001478.5 (MANE Select); coding-DNA positions 942 to 952, 11 bases deleted (CGACAAGCCAG).
Protein change: p.Ser314fs; shifts the reading frame from serine 314.
Molecular consequence: frameshift variant. On other transcripts: 5 prime UTR variant (4).
Genome position (GRCh38, 1-based): chr12:57,628,763-57,628,773, CTGGCTTGTCG deleted on the plus strand (CGACAAGCCAG on the coding strand, the reverse complement: B4GALNT1 is on the minus strand); deleting any 11 consecutive bases within chr12:57,628,763-57,628,776 gives the same sequence; the c. name uses the placement nearest the transcript's 3' end. VCF-style (leftmost placement, unchanged base first): chr12-57628762-TCTGGCTTGTCG-T. GRCh37 (hg19) VCF-style: chr12-58022545-TCTGGCTTGTCG-T.
Other names: c.777_787del, p.Ser259fs (NM_001276468.2, NM_001413978.1); c.942_952del, p.Ser314fs (NM_001413967.1, NM_001413968.1, NM_001413969.1 and 7 more transcripts); c.843_853del, p.Ser281fs (NM_001413977.1); c.-46_-36del (NM_001413981.1, NM_001413982.1, NM_001413983.1 and 1 more transcripts); short protein forms S281fs, S314fs, S259fs.
Identifiers: ClinVar variation 3653512 (VCV003653512.2).